The following is an entry in ClinVar:

NM_001170535.3(ATAD3A):c.1582C>T (p.Arg528Trp)

Gene: ATAD3A (ATPase family AAA domain containing 3A; plus strand). Cytogenetic location: 1p36.33.
Variant type: single nucleotide variant.
Coding change: c.1582C>T on transcript NM_001170535.3 (MANE Select); coding-DNA position 1582, C replaced by T.
Protein change: p.Arg528Trp; replaces arginine 528 with tryptophan.
Molecular consequence: missense variant.
Genome position (GRCh38, 1-based): chr1:1,529,299, C>T. VCF-style: chr1-1529299-C-T. GRCh37 (hg19) VCF-style: chr1-1464679-C-T.
Other names: c.1345C>T, p.Arg449Trp (NM_001170536.3); c.1726C>T, p.Arg576Trp (NM_018188.5); short protein forms R528W, R576W, R449W.
Identifiers: ClinVar variation 225696 (VCV000225696.16), dbSNP rs1057517686, ClinGen allele CA16040614.

ClinVar aggregate classification (germline): Pathogenic/Likely pathogenic. Review status: criteria provided, multiple submitters, no conflicts (2 of 4 stars). 10 submissions from 8 submitters: Pathogenic (6); Likely pathogenic (1). 3 of the submissions do not count toward it. Last evaluated 2025-11-18.

Conditions:
ATAD3A-related mitochondrial disorders.
Harel-Yoon syndrome (HAYOS). Also called: Optic atrophy-peripheral neuropathy-developmental delay syndrome. Identifiers: Orphanet 496790, MedGen C4310677, MONDO:0014958, OMIM 617183.

Submissions (10):

Rady Children's Institute for Genomic Medicine, Rady Children's Hospital San Diego
Classification: Pathogenic for ATAD3A-related mitochondrial disorders. Last evaluated: 2025-11-18. Review status: criteria provided, single submitter. Criteria: ACMG Guidelines, 2015. Collection method: clinical testing. Allele origin: germline. Affected: yes.
Comment: This variant results in a c.1726C>T (p.Arg576Trp) change in an alternate ATAD3A transcript (NM_018188.5). The c.1582C>T (p.Arg528Trp) variant affects a highly conserved amino acid and is predicted by multiple in silico tools to have a deleterious effect on protein function. This variant has been previously reported as a de novo change in multiple unrelated individuals with developmental delay and additional features (PMID: 27640307, 31019026, 33146414 and multiple internal cases). A different amino acid change at the same residue (p.Arg528Gln) have been previously reported in an individual with Harel-Yoon syndrome (Accession: VCV001679823.7). Functional studies on fibroblasts obtained from a patient with this variant, showing characteristics of Harel-Yoon syndrome, demonstrated elevated mitochondrial degradation (PMID: 27640307). The c.1582C>T (p.Arg528Trp) variant is absent from the latest version of the gnomAD population database and thus is presumed to be rare. Based on parental analysis, this variant likely occurred as a de novo event. Based on the available evidence, c.1582C>T (p.Arg528Trp) is classified as Pathogenic.

3billion
Classification: Pathogenic for Harel-Yoon syndrome. Last evaluated: 2024-11-20. Review status: criteria provided, single submitter. Criteria: ACMG Guidelines, 2015. Collection method: clinical testing. Allele origin: germline. Affected: yes.
Comment: The variant is not observed in the gnomAD v4.1.0 dataset. Predicted Consequence/Location: Missense variant Functional studies provide strong evidence of the variant having a damaging effect on the gene or gene product (PMID: 27640307). In silico tool predictions suggest damaging effect of the variant on gene or gene product [REVEL: 0.72 (>=0.6, sensitivity 0.68 and specificity 0.92); 3Cnet: 0.97 (>=0.6, sensitivity 0.72 and precision 0.9)]. The same nucleotide change resulting in the same amino acid change has been previously reported as pathogenic/likely pathogenic with strong evidence (ClinVar ID: VCV000225696 /PMID: 27640307 /3billion dataset). The variant has been previously reported as de novo in at least two similarly affected unrelated individuals (PMID: 27640307). A different missense change at the same codon (p.Arg528Gln) has been reported to be associated with ATAD3A related disorder (ClinVar ID: VCV001679823). Therefore, this variant is classified as Pathogenic according to the recommendation of ACMG/AMP guideline.

GeneDx
Classification: Pathogenic. Last evaluated: 2022-02-17. Review status: criteria provided, single submitter. Criteria: GeneDx Variant Classification Process June 2021. Collection method: clinical testing. Allele origin: germline. Affected: yes.
Comment: Published functional studies demonstrate a damaging effect including reduction in mitochondria density and number in motor neurons and muscle, as well as an increase in mitophagic vesicles (Harel et al., 2016); Not observed at significant frequency in large population cohorts (gnomAD); In silico analysis, which includes protein predictors and evolutionary conservation, supports a deleterious effect; This variant is associated with the following publications: (PMID: 33146414, 27640307, 28327206, 31019026)

Provincial Medical Genetics Program of British Columbia, University of British Columbia
Classification: Pathogenic for Harel-Yoon syndrome. Last evaluated: 2022-01-01. Review status: criteria provided, single submitter. Criteria: ACMG Guidelines, 2015. Collection method: clinical testing. Allele origin: de novo. Affected: yes.

Rady Children's Institute for Genomic Medicine, Rady Children's Hospital San Diego
Classification: Pathogenic for HAREL-YOON SYNDROME. Last evaluated: 2018-02-08. Review status: criteria provided, single submitter. Criteria: ACMG Guidelines, 2015. Collection method: clinical testing. Allele origin: germline. Affected: yes. Observed: 1 variant allele.
Comment: This variant has been previously reported as a de novo change in multiple unrelated individuals with developmental delay and additional features (PMID: 27640307). An analysis of fibroblasts derived from an affected individual with this variant and the features of Harel-Yoon syndrome showed increased mitochondrial degradation (PMID: 27640307). Similarly, a reduction in mitochondrial content and aberrant mitochondrial morphology were observed in Drosophila harboring this mutation (PMID: 27640307). This variant is absent from the ExAC and gnomAD population databases. Algorithms developed to predict the effect of missense changes on protein function suggest this variant is likely to be deleterious. Analysis of the parental samples was negative for the variant, indicating this variant likely occurred as a de novo event. Based on the available evidence, the p.Arg576Trp variant in ATAD3A is classified as pathogenic change.

Lupski Lab, Baylor-Hopkins CMG, Baylor College of Medicine
Classification: Likely pathogenic. Last evaluated: 2016-04-26. Review status: criteria provided, single submitter. Criteria: Harel et al. (Am J Hum Genet 2016). Collection method: research. Allele origin: germline. Inheritance: Autosomal dominant inheritance. Affected: yes. Observed: 5 heterozygotes. Clinical features observed: Developmental delay, Peripheral neuropathy, Optic atrophy, Cardiomyopathy.
Comment: recurrent de novo variant identified in 5 probands

Genomics England Pilot Project, Genomics England
Classification: Pathogenic for Harel-Yoon syndrome. Review status: criteria provided, single submitter. Criteria: ACGS Guidelines, 2016. Collection method: clinical testing. Allele origin: germline. Affected: yes.

OMIM
Classification: Pathogenic for HAREL-YOON SYNDROME. Last evaluated: 2020-03-23. Review status: no assertion criteria provided. Collection method: literature only. Allele origin: unknown. Not counted in ClinVar's aggregate classification.

University of Washington Center for Mendelian Genomics, University of Washington
Classification: Pathogenic for Harel-Yoon Syndrome. Last evaluated: 2017-05-25. Review status: no assertion criteria provided. Collection method: research. Allele origin: de novo. Affected: yes. Not counted in ClinVar's aggregate classification.

Lupski Lab, Baylor-Hopkins CMG, Baylor College of Medicine
Classification: Pathogenic for Harel-Yoon syndrome. Review status: flagged submission. Collection method: research. Allele origin: de novo. Inheritance: Autosomal dominant inheritance. Affected: yes. Not counted in ClinVar's aggregate classification.
Comment: This variant has been identified as de novo in 5 individuals with delayed motor development and hypotonia. Please see PMID: 27640307 for full description.
ClinVar note: Reason: This record appears to be redundant with a more recent record from the same submitter.
ClinVar note: Notes: SCV000494159 appears to be redundant with SCV000267601.

Literature cited by the submitters: PubMed 27640307 (cited by 4 submitters); PubMed 28158749 (cited by Rady Children's Institute for Genomic Medicine, Rady Children's Hospital San Diego); PubMed 28549128 (cited by Rady Children's Institute for Genomic Medicine, Rady Children's Hospital San Diego); PubMed 29053797 (cited by Rady Children's Institute for Genomic Medicine, Rady Children's Hospital San Diego); PubMed 31019026 (cited by Rady Children's Institute for Genomic Medicine, Rady Children's Hospital San Diego); PubMed 33146414 (cited by Rady Children's Institute for Genomic Medicine, Rady Children's Hospital San Diego).